The following is an entry in ClinVar:

NM_004360.5(CDH1):c.48+13C>T

Gene: CDH1 (cadherin 1; plus strand). Cytogenetic location: 16q22.1.
Variant type: single nucleotide variant.
Coding change: c.48+13C>T on transcript NM_004360.5 (MANE Select); 13 bases into the intron after coding-DNA position 48, C replaced by T.
Molecular consequence: intron variant.
Genome position (GRCh38, 1-based): chr16:68,737,476, C>T. VCF-style: chr16-68737476-C-T. GRCh37 (hg19) VCF-style: chr16-68771379-C-T.
Other names: c.-1568+13C>T (NM_001317185.2); c.-1772+13C>T (NM_001317186.2); c.48+13C>T (NM_001317184.2, LRG_301t1).
Identifiers: ClinVar variation 379282 (VCV000379282.4), dbSNP rs1057520555, ClinGen allele CA16607042.
Genomic context (GRCh38, chr16:68,737,476, plus strand): 5'-ATGGGCCCTTGGAGCCGCAGCCTCTCGGCGCTGCTGCTGCTGCTGCAGGTACCCCGGATC[C>T]CCTGACTTGCGAGGGACGCATTCGGGCCGCAAGCTCCGCGCCCCAGCCCTGCGCCCCTTC-3'

ClinVar aggregate classification (germline): Likely benign. Review status: criteria provided, multiple submitters, no conflicts (2 of 4 stars). 2 submissions from 2 submitters: Likely benign (2). Last evaluated 2024-08-04.

Conditions:
Hereditary diffuse gastric adenocarcinoma (HDGC). Also called: DIFFUSE GASTRIC AND LOBULAR BREAST CANCER SYNDROME. Identifiers: Orphanet 26106, MedGen C1708349, MONDO:0007648, OMIM 137215.

Submissions (2):

Labcorp Genetics (formerly Invitae), Labcorp
Classification: Likely benign for Hereditary diffuse gastric adenocarcinoma. Last evaluated: 2024-08-04. Review status: criteria provided, single submitter. Criteria: Invitae Variant Classification Sherloc (09022015). Collection method: clinical testing. Allele origin: germline.

GeneDx
Classification: Likely benign. Last evaluated: 2016-10-05. Review status: criteria provided, single submitter. Criteria: GeneDx Variant Classification (06012015). Collection method: clinical testing. Allele origin: germline. Affected: yes.
Comment: This variant is considered likely benign or benign based on one or more of the following criteria: it is a conservative change, it occurs at a poorly conserved position in the protein, it is predicted to be benign by multiple in silico algorithms, and/or has population frequency not consistent with disease.